The following is an entry in ClinVar:

NM_004260.4(RECQL4):c.520C>G (p.His174Asp)

Gene: RECQL4 (RecQ like helicase 4; minus strand). Cytogenetic location: 8q24.3.
Variant type: single nucleotide variant.
Coding change: c.520C>G on transcript NM_004260.4 (MANE Select); coding-DNA position 520, C replaced by G.
Protein change: p.His174Asp; replaces histidine 174 with aspartic acid.
Molecular consequence: missense variant.
Genome position (GRCh38, 1-based): chr8:144,516,599, G>C on the plus strand (C>G on the coding strand, the complement: RECQL4 is on the minus strand). VCF-style: chr8-144516599-G-C. GRCh37 (hg19) VCF-style: chr8-145741983-G-C.
Other names: short protein forms H174D.
Identifiers: ClinVar variation 576767 (VCV000576767.6), dbSNP rs369382124, ClinGen allele CA4949261.

ClinVar aggregate classification (germline): Uncertain significance (1 of 4 stars; one submission).

Conditions:
Baller-Gerold syndrome (BGS). Also called: CRANIOSYNOSTOSIS WITH RADIAL DEFECTS. Identifiers: Orphanet 1225, MedGen C0265308, MONDO:0009039, OMIM 218600.

Allele frequency attached by ClinVar (database versions not stated): TOPMed 0.00002; ESP Exome Variant Server 0.00017.
gnomAD v4.1: 7 of 1,610,424 alleles (0.00043%); highest among the groups gnomAD compares: Non-Finnish European, 0.00059%; no homozygotes.

Submission:

Labcorp Genetics (formerly Invitae), Labcorp
Classification: Uncertain significance for Baller-Gerold syndrome. Last evaluated: 2024-04-27. Review status: criteria provided, single submitter. Criteria: Invitae Variant Classification Sherloc (09022015). Collection method: clinical testing. Allele origin: germline.
Comment: This sequence change replaces histidine, which is basic and polar, with aspartic acid, which is acidic and polar, at codon 174 of the RECQL4 protein (p.His174Asp). This variant is present in population databases (rs369382124, gnomAD 0.004%). This variant has not been reported in the literature in individuals affected with RECQL4-related conditions. ClinVar contains an entry for this variant (Variation ID: 576767). Advanced modeling of protein sequence and biophysical properties (such as structural, functional, and spatial information, amino acid conservation, physicochemical variation, residue mobility, and thermodynamic stability) performed at Invitae indicates that this missense variant is not expected to disrupt RECQL4 protein function with a negative predictive value of 80%. In summary, the available evidence is currently insufficient to determine the role of this variant in disease. Therefore, it has been classified as a Variant of Uncertain Significance.